The following is an entry in ClinVar:

ClinVar aggregate classification (germline): Conflicting classifications of pathogenicity. Review status: criteria provided, conflicting classifications (1 of 4 stars). 3 submissions from 3 submitters: Pathogenic (1); Uncertain significance (2). Last evaluated 2024-09-30.

Conditions:
Congenital myasthenic syndrome 7. Also called: MYASTHENIC SYNDROME, CONGENITAL, 7A, PRESYNAPTIC, AND DISTAL MOTOR NEUROPATHY, AUTOSOMAL DOMINANT; Myasthenic syndrome, congenital, 7, presynaptic. Identifiers: Orphanet 590, MedGen C4015038, MONDO:0014468, OMIM 616040.

Submissions (3):

Revvity Omics, Revvity
Classification: Uncertain significance. Last evaluated: 2024-09-30. Review status: criteria provided, single submitter. Criteria: ACMG Guidelines, 2015. Collection method: clinical testing. Allele origin: germline.

Labcorp Genetics (formerly Invitae), Labcorp
Classification: Uncertain significance. Last evaluated: 2022-06-12. Review status: criteria provided, single submitter. Criteria: Invitae Variant Classification Sherloc (09022015). Collection method: clinical testing. Allele origin: germline.
Comment: In summary, the available evidence is currently insufficient to determine the role of this variant in disease. Therefore, it has been classified as a Variant of Uncertain Significance. Algorithms developed to predict the effect of sequence changes on RNA splicing suggest that this variant may disrupt the consensus splice site. Experimental studies and prediction algorithms are not available or were not evaluated, and the functional significance of this variant is currently unknown. This variant is also known as c.797_801+1del (Splice site). This variant has not been reported in the literature in individuals affected with SYT2-related conditions. This variant is not present in population databases (gnomAD no frequency). This variant, c.796_801del, results in the deletion of 2 amino acid(s) of the SYT2 protein (p.Glu266_Glu267del), but otherwise preserves the integrity of the reading frame.

Genomic Medicine Center of Excellence, King Faisal Specialist Hospital and Research Centre
Classification: Pathogenic for Congenital myasthenic syndrome 7. Review status: criteria provided, single submitter. Criteria: ACMG Guidelines, 2015. Collection method: clinical testing. Allele origin: germline.

NM_177402.5(SYT2):c.797_801+1del

Gene: SYT2 (synaptotagmin 2; minus strand). Cytogenetic location: 1q32.1.
Variant type: Microsatellite.
Coding change: c.797_801+1del on transcript NM_177402.5 (MANE Select); coding-DNA position 797 through the canonical splice donor site of the intron after coding-DNA position 801, 6 bases deleted (AGGAGG; older notation c.797_801+1delAGGAGG).
Molecular consequence: splice donor variant.
Genome position (GRCh38, 1-based): chr1:202,601,889-202,601,894, CCTCCT deleted on the plus strand (AGGAGG on the coding strand, the reverse complement: SYT2 is on the minus strand); deleting any 6 consecutive bases within chr1:202,601,889-202,601,897 gives the same sequence; the c. name uses the placement nearest the transcript's 3' end. VCF-style (leftmost placement, unchanged base first): chr1-202601888-ACCTCCT-A. GRCh37 (hg19) VCF-style: chr1-202571016-ACCTCCT-A.
Other names: c.797_801+1del (NM_001136504.1).
Identifiers: ClinVar variation 1959486 (VCV001959486.9), dbSNP rs1690515734, ClinGen allele CA2481405066.